The following is an entry in ClinVar:

ClinVar aggregate classification (germline): Uncertain significance (1 of 4 stars; one submission).

gnomAD v4.1: 2 of 1,550,098 alleles (0.00013%); highest among the groups gnomAD compares: Non-Finnish European, 0.00017%; no homozygotes.

Submission:

Women's Health and Genetics/Laboratory Corporation of America, LabCorp
Classification: Uncertain significance. Last evaluated: 2026-02-02. Review status: criteria provided, single submitter. Criteria: LabCorp Variant Classification Summary - May 2015. Collection method: clinical testing. Allele origin: germline.
Comment: Variant summary: ZNF469 c.7351T>C (p.Tyr2451His) results in a conservative amino acid change in the encoded protein sequence. Algorithms developed to predict the effect of missense changes on protein structure and function are either unavailable or do not agree on the potential impact of this missense change. The variant allele was found at a frequency of 6.6e-06 in 151334 control chromosomes. The available data on variant occurrences in the general population are insufficient to allow any conclusion about variant significance. To our knowledge, no occurrence of c.7351T>C in individuals affected with ZNF469-related conditions and no experimental evidence demonstrating its impact on protein function have been reported. No submitters have cited clinical-significance assessments for this variant to ClinVar. Based on the evidence outlined above, the variant was classified as uncertain significance.

NM_001367624.2(ZNF469):c.7351T>C (p.Tyr2451His)

Gene: ZNF469 (zinc finger protein 469; plus strand). Cytogenetic location: 16q24.2.
Variant type: single nucleotide variant.
Coding change: c.7351T>C on transcript NM_001367624.2 (MANE Select); coding-DNA position 7351, T replaced by C.
Protein change: p.Tyr2451His; replaces tyrosine 2451 with histidine.
Molecular consequence: missense variant.
Genome position (GRCh38, 1-based): chr16:88,434,821, T>C. VCF-style: chr16-88434821-T-C. GRCh37 (hg19) VCF-style: chr16-88501229-T-C.
Other names: short protein forms Y2451H.
Identifiers: ClinVar variation 4848128 (VCV004848128.1).